The following is an entry in ClinVar:

ClinVar aggregate classification (germline): Uncertain significance (1 of 4 stars; one submission).

Conditions:
Temple-Baraitser syndrome (TMBTS). Also called: Severe mental retardation and absent nails of hallux and pollex. Identifiers: Orphanet 420561, MedGen C2678486, MONDO:0012735, OMIM 611816.
Zimmermann-Laband syndrome 1 (ZLS1). Identifiers: Orphanet 3473, MedGen C4551773, MONDO:0024526, OMIM 135500.

Submission:

Neuberg Centre For Genomic Medicine, NCGM
Classification: Uncertain significance for Zimmermann-Laband syndrome 1; Temple-Baraitser syndrome. Review status: criteria provided, single submitter. Criteria: ACMG Guidelines, 2015. Collection method: clinical testing. Allele origin: germline. Affected: yes.
Comment: The missense variant p.A394T in KCNH1 (NM_172362.3) has not been reported previously as a pathogenic variant nor as a benign variant, to our knowledge. The p.A394T variant is novel (not in any individuals) in gnomAD Exomes and is novel (not in any individuals) in 1000 Genomes. The p.A394T missense variant is predicted to be damaging by both SIFT and PolyPhen2. The alanine residue at codon 394 of KCNH1 is conserved in all mammalian species. The nucleotide c.1180 in KCNH1 is predicted conserved by GERP++ and PhyloP across 100 vertebrates. For these reasons, this variant has been classified as Uncertain Significance.

NM_172362.3(KCNH1):c.1180G>A (p.Ala394Thr)

Gene: KCNH1 (potassium voltage-gated channel subfamily H member 1; minus strand). Cytogenetic location: 1q32.2.
Variant type: single nucleotide variant.
Coding change: c.1180G>A on transcript NM_172362.3 (MANE Select); coding-DNA position 1180, G replaced by A.
Protein change: p.Ala394Thr; replaces alanine 394 with threonine.
Molecular consequence: missense variant.
Genome position (GRCh38, 1-based): chr1:210,919,922, C>T on the plus strand (G>A on the coding strand, the complement: KCNH1 is on the minus strand). VCF-style: chr1-210919922-C-T. GRCh37 (hg19) VCF-style: chr1-211093264-C-T.
Other names: c.1099G>A, p.Ala367Thr (NM_002238.4); short protein forms A367T, A394T.
Identifiers: ClinVar variation 1339058 (VCV001339058.2), dbSNP rs2102561634, ClinGen allele CA344873700.
Genomic context (GRCh38, chr1:210,919,922, plus strand): 5'-GGATTGTCTTGGTGTCCTCGTCAAAGATCTCATAGTCCCCAATGCTGTACCAGATGCAGG[C>T]CATCCAGTGTGCAGCCAGCCCAAACACACACACCAGCAGGACCAGCACAGCAGCTCCATA-3'
Protein context (NP_758872.1, residues 384-404): CVFGLAAHWM[Ala394Thr]CIWYSIGDYE